The following is an entry in ClinVar:

ClinVar aggregate classification (germline): Uncertain significance (1 of 4 stars; one submission).

Submission:

Labcorp Genetics (formerly Invitae), Labcorp
Classification: Uncertain significance. Last evaluated: 2023-06-06. Review status: criteria provided, single submitter. Criteria: Invitae Variant Classification Sherloc (09022015). Collection method: clinical testing. Allele origin: germline.
Comment: This sequence change replaces glutamic acid, which is acidic and polar, with valine, which is neutral and non-polar, at codon 246 of the PALM protein (p.Glu246Val). In summary, the available evidence is currently insufficient to determine the role of this variant in disease. Therefore, it has been classified as a Variant of Uncertain Significance. This variant has not been reported in the literature in individuals affected with PALM-related conditions. This variant is not present in population databases (gnomAD no frequency). An algorithm developed to predict the effect of missense changes on protein structure and function (PolyPhen-2) suggests that this variant is likely to be disruptive.

NM_002579.3(PALM):c.737A>T (p.Glu246Val)

Gene: PALM (paralemmin; plus strand). Cytogenetic location: 19p13.3.
Variant type: single nucleotide variant.
Coding change: c.737A>T on transcript NM_002579.3 (MANE Select); coding-DNA position 737, A replaced by T.
Protein change: p.Glu246Val; replaces glutamic acid 246 with valine.
Molecular consequence: missense variant.
Genome position (GRCh38, 1-based): chr19:746,387, A>T. VCF-style: chr19-746387-A-T. GRCh37 (hg19) VCF-style: chr19-746387-A-T.
Other names: c.605A>T, p.Glu202Val (NM_001040134.2); short protein forms E202V, E246V.
Identifiers: ClinVar variation 2693789 (VCV002693789.3), dbSNP rs2511995850, ClinGen allele CA402890381.
Genomic context (GRCh38, chr19:746,387, plus strand): 5'-CCCTGAGCTCCTCCGAGGTGGACGAACTCATCCACAAAGCGGACGAGGTCACGCTGAGCG[A>T]GGCAGGGTCCACGGCCGGGGCGGCAGAGACCCGGGGGGCTGTGGAGGGGGCAGCCCGGAC-3'
Protein context (NP_002570.2, residues 236-256): IHKADEVTLS[Glu246Val]AGSTAGAAET